The following is an entry in ClinVar:

ClinVar aggregate classification (germline): Uncertain significance (1 of 4 stars; one submission).

Conditions:
Congenital brain dysgenesis due to glutamine synthetase deficiency (GLND). Also called: GLUTAMINE SYNTHASE DEFICIENCY, CONGENITAL SYSTEMIC. Identifiers: Orphanet 71278, MedGen C1864910, MONDO:0012393, OMIM 610015.

Submission:

Labcorp Genetics (formerly Invitae), Labcorp
Classification: Uncertain significance for Congenital brain dysgenesis due to glutamine synthetase deficiency. Last evaluated: 2025-06-18. Review status: criteria provided, single submitter. Criteria: Invitae Variant Classification Sherloc (09022015). Collection method: clinical testing. Allele origin: germline.
Comment: This sequence change replaces arginine, which is basic and polar, with histidine, which is basic and polar, at codon 299 of the GLUL protein (p.Arg299His). This variant is present in population databases (rs749858846, gnomAD 0.0009%). This variant has not been reported in the literature in individuals affected with GLUL-related conditions. Invitae Evidence Modeling of protein sequence and biophysical properties (such as structural, functional, and spatial information, amino acid conservation, physicochemical variation, residue mobility, and thermodynamic stability) indicates that this missense variant is expected to disrupt GLUL protein function with a positive predictive value of 80%. In summary, the available evidence is currently insufficient to determine the role of this variant in disease. Therefore, it has been classified as a Variant of Uncertain Significance.

NM_001033044.4(GLUL):c.896G>A (p.Arg299His)

Gene: GLUL (glutamate-ammonia ligase; minus strand). Cytogenetic location: 1q25.3.
Variant type: single nucleotide variant.
Coding change: c.896G>A on transcript NM_001033044.4 (MANE Select); coding-DNA position 896, G replaced by A.
Protein change: p.Arg299His; replaces arginine 299 with histidine.
Molecular consequence: missense variant.
Genome position (GRCh38, 1-based): chr1:182,384,631, C>T on the plus strand (G>A on the coding strand, the complement: GLUL is on the minus strand). VCF-style: chr1-182384631-C-T. GRCh37 (hg19) VCF-style: chr1-182353766-C-T.
Other names: c.896G>A, p.Arg299His (NM_001033056.4, NM_002065.7); short protein forms R299H.
Identifiers: ClinVar variation 4697777 (VCV004697777.1).
Genomic context (GRCh38, chr1:182,384,631, plus strand): 5'-CGATTGGCTACACCAGCAGAAAAGTCGTTGATGTTGGAGGTTTCATGGAATCCAGTTAGA[C>T]GTCGGGCATTGTCCAGGCCTCCCTTGGGATCATAGGCACGGATGTGGTACTGGTGCCGCT-3'
Protein context (NP_001028216.1, residues 289-309): DPKGGLDNAR[Arg299His]LTGFHETSNI